The following is an entry in ClinVar:

NM_002471.4(MYH6):c.1265A>G (p.Tyr422Cys)

Gene: MYH6 (myosin heavy chain 6; minus strand). Cytogenetic location: 14q11.2.
Variant type: single nucleotide variant.
Coding change: c.1265A>G on transcript NM_002471.4 (MANE Select); coding-DNA position 1265, A replaced by G.
Protein change: p.Tyr422Cys; replaces tyrosine 422 with cysteine.
Molecular consequence: missense variant.
Genome position (GRCh38, 1-based): chr14:23,400,854, T>C on the plus strand (A>G on the coding strand, the complement: MYH6 is on the minus strand). VCF-style: chr14-23400854-T-C. GRCh37 (hg19) VCF-style: chr14-23870063-T-C.
Other names: short protein forms Y422C.
Identifiers: ClinVar variation 1304489 (VCV001304489.12), dbSNP rs1891578725, ClinGen allele CA389024013.
Genomic context (GRCh38, chr14:23,400,854, plus strand): 5'-GTCACCATCCAGTTGAACATCTTCTCATACACTGCCTTGGCCAGAGCCCCGATGGAGTAG[T>C]ACACCTGCTGCACGCTCTGCCCCTTGGTGACATACTCGTTGCCCACTTTCACCCGAGGGT-3'
Protein context (NP_002462.2, residues 412-432): VTKGQSVQQV[Tyr422Cys]YSIGALAKAV

ClinVar aggregate classification (germline): Uncertain significance. Review status: criteria provided, multiple submitters, no conflicts (2 of 4 stars). 3 submissions from 3 submitters: Uncertain significance (3). Last evaluated 2024-04-24.

Conditions:
Cardiovascular phenotype. Identifiers: MedGen CN230736.
Hypertrophic cardiomyopathy 14. Identifiers: MedGen C2750467, MONDO:0013197, OMIM 613251.

Allele frequency attached by ClinVar (database versions not stated): TOPMed below 0.00001; gnomAD exomes 0.00001.
gnomAD v4.1: 18 of 1,614,208 alleles (0.0011%); highest among the groups gnomAD compares: Non-Finnish European, 0.0014%; no homozygotes.

Submissions (3):

GeneDx
Classification: Uncertain significance. Last evaluated: 2024-04-24. Review status: criteria provided, single submitter. Criteria: GeneDx Variant Classification Process June 2021. Collection method: clinical testing. Allele origin: germline. Affected: yes.
Comment: Not observed at significant frequency in large population cohorts (gnomAD); In silico analysis indicates that this missense variant does not alter protein structure/function; Has not been previously published as pathogenic or benign to our knowledge

Ambry Genetics
Classification: Uncertain significance for Cardiovascular phenotype. Last evaluated: 2023-11-05. Review status: criteria provided, single submitter. Criteria: Ambry Variant Classification Scheme 2023. Collection method: clinical testing. Allele origin: germline.
Comment: The p.Y422C variant (also known as c.1265A>G), located in coding exon 11 of the MYH6 gene, results from an A to G substitution at nucleotide position 1265. The tyrosine at codon 422 is replaced by cysteine, an amino acid with highly dissimilar properties. This amino acid position is conserved. In addition, this alteration is predicted to be tolerated by in silico analysis. Since supporting evidence is limited at this time, the clinical significance of this alteration remains unclear.

Labcorp Genetics (formerly Invitae), Labcorp
Classification: Uncertain significance for Hypertrophic cardiomyopathy 14. Last evaluated: 2023-08-11. Review status: criteria provided, single submitter. Criteria: Invitae Variant Classification Sherloc (09022015). Collection method: clinical testing. Allele origin: germline.
Comment: This sequence change replaces tyrosine, which is neutral and polar, with cysteine, which is neutral and slightly polar, at codon 422 of the MYH6 protein (p.Tyr422Cys). This variant is not present in population databases (gnomAD no frequency). This variant has not been reported in the literature in individuals affected with MYH6-related conditions. ClinVar contains an entry for this variant (Variation ID: 1304489). Advanced modeling of protein sequence and biophysical properties (such as structural, functional, and spatial information, amino acid conservation, physicochemical variation, residue mobility, and thermodynamic stability) performed at Invitae indicates that this missense variant is expected to disrupt MYH6 protein function. In summary, the available evidence is currently insufficient to determine the role of this variant in disease. Therefore, it has been classified as a Variant of Uncertain Significance.